The following is an entry in ClinVar:

ClinVar aggregate classification (germline): Pathogenic (1 of 4 stars; one submission).

Conditions:
Retinoblastoma (RB1). Also called: RETINOBLASTOMA, SOMATIC. Identifiers: Orphanet 790, MedGen C0035335, MeSH D012175, MONDO:0008380, OMIM 180200, HP:0009919. Disease mechanism: loss of function. Inheritance: Both sporadic and heritable forms are tested..

Submission:

Labcorp Genetics (formerly Invitae), Labcorp
Classification: Pathogenic for Retinoblastoma. Last evaluated: 2020-07-21. Review status: criteria provided, single submitter. Criteria: Invitae Variant Classification Sherloc (09022015). Collection method: clinical testing. Allele origin: germline.
Comment: This variant results in a copy number gain of the genomic region encompassing exon(s) 2-17 of the RB1 gene. While the exact position of this variant cannot be determined from the data, sub-genic copy number gains are generally in tandem (PMID: 25640679). This variant is predicted to be out-of-frame, and may result in an absent or disrupted protein product. This variant has been observed in individual(s) with bilateral retinoblastoma (Invitae). Experimental studies and prediction algorithms are not available or were not evaluated, and the functional significance of this variant is currently unknown. Loss-of-function variants in RB1 are known to be pathogenic (PMID: 17096365). For these reasons, this variant has been classified as Pathogenic.

Literature cited by the submitters: PubMed 25640679; PubMed 17096365.

NC_000013.10:g.(?_48881406)_(48955589_?)dup

Gene: RB1 (RB transcriptional corepressor 1; plus strand). Cytogenetic location: 13q14.2.
Variant type: Duplication.
Identifiers: ClinVar variation 1071015 (VCV001071015.7).